The following is an entry in ClinVar:

NM_138694.4(PKHD1):c.3498del (p.Leu1167fs)

Gene: PKHD1 (PKHD1 ciliary IPT domain containing fibrocystin/polyductin; minus strand). Cytogenetic location: 6p12.2.
Variant type: Deletion.
Coding change: c.3498del on transcript NM_138694.4 (MANE Select); coding-DNA position 3498, one base deleted (A; older notation c.3498delA).
Protein change: p.Leu1167fs; shifts the reading frame from leucine 1167.
Molecular consequence: frameshift variant.
Genome position (GRCh38, 1-based): chr6:52,028,218, T deleted on the plus strand (A on the coding strand, the reverse complement: PKHD1 is on the minus strand). VCF-style (leftmost placement, unchanged base first): chr6-52028217-GT-G. GRCh37 (hg19) VCF-style: chr6-51893015-GT-G.
Other names: c.3498del, p.Leu1167fs (NM_170724.3); short protein forms L1167fs.
Identifiers: ClinVar variation 4733658 (VCV004733658.1).

ClinVar aggregate classification (germline): Pathogenic (1 of 4 stars; one submission).

Conditions:
Autosomal recessive polycystic kidney disease (ARPKD). Also called: AR polycystic kidney disease. Identifiers: Orphanet 731, Orphanet 8378, MedGen C0085548, MeSH D017044, MONDO:0009889.

Submission:

Labcorp Genetics (formerly Invitae), Labcorp
Classification: Pathogenic for Autosomal recessive polycystic kidney disease. Last evaluated: 2025-12-20. Review status: criteria provided, single submitter. Criteria: Invitae Variant Classification Sherloc (09022015). Collection method: clinical testing. Allele origin: germline.
Comment: This sequence change creates a premature translational stop signal (p.Leu1167Cysfs*53) in the PKHD1 gene. It is expected to result in an absent or disrupted protein product. Loss-of-function variants in PKHD1 are known to be pathogenic (PMID: 19940839). This variant is not present in population databases (gnomAD no frequency). This variant has not been reported in the literature in individuals affected with PKHD1-related conditions. For these reasons, this variant has been classified as Pathogenic.

Literature cited by the submitters: PubMed 19940839.